The following is an entry in ClinVar:

NM_000391.4(TPP1):c.620A>C (p.Lys207Thr)

Gene: TPP1 (tripeptidyl peptidase 1; minus strand). Cytogenetic location: 11p15.4.
Variant type: single nucleotide variant.
Coding change: c.620A>C on transcript NM_000391.4 (MANE Select); coding-DNA position 620, A replaced by C.
Protein change: p.Lys207Thr; replaces lysine 207 with threonine.
Molecular consequence: missense variant.
Genome position (GRCh38, 1-based): chr11:6,617,042, T>G on the plus strand (A>C on the coding strand, the complement: TPP1 is on the minus strand). VCF-style: chr11-6617042-T-G. GRCh37 (hg19) VCF-style: chr11-6638273-T-G.
Other names: short protein forms K207T.
Identifiers: ClinVar variation 1351593 (VCV001351593.5), dbSNP rs2134594975, ClinGen allele CA379475445.

ClinVar aggregate classification (germline): Uncertain significance (1 of 4 stars; one submission).

Submission:

Labcorp Genetics (formerly Invitae), Labcorp
Classification: Uncertain significance. Last evaluated: 2021-08-20. Review status: criteria provided, single submitter. Criteria: Invitae Variant Classification Sherloc (09022015). Collection method: clinical testing. Allele origin: germline.
Comment: This sequence change replaces lysine with threonine at codon 207 of the TPP1 protein (p.Lys207Thr). The lysine residue is weakly conserved and there is a moderate physicochemical difference between lysine and threonine. This variant is not present in population databases (ExAC no frequency). This variant has not been reported in the literature in individuals affected with TPP1-related conditions. Advanced modeling of protein sequence and biophysical properties (such as structural, functional, and spatial information, amino acid conservation, physicochemical variation, residue mobility, and thermodynamic stability) performed at Invitae indicates that this missense variant is not expected to disrupt TPP1 protein function. In summary, the available evidence is currently insufficient to determine the role of this variant in disease. Therefore, it has been classified as a Variant of Uncertain Significance.